The following is an entry in ClinVar:

NM_002971.6(SATB1):c.1835_1837del (p.Pro612del)

Gene: SATB1 (SATB homeobox 1; minus strand). Cytogenetic location: 3p24.3.
Variant type: Deletion.
Coding change: c.1835_1837del on transcript NM_002971.6 (MANE Select); coding-DNA positions 1835 to 1837, 3 bases deleted (CAC; older notation c.1835_1837delCAC).
Protein change: p.Pro612del; deletes proline 612.
Molecular consequence: inframe deletion.
Genome position (GRCh38, 1-based): chr3:18,349,625-18,349,627, GTG deleted on the plus strand (CAC on the coding strand, the reverse complement: SATB1 is on the minus strand); deleting any 3 consecutive bases within chr3:18,349,625-18,349,628 gives the same sequence; the c. name uses the placement nearest the transcript's 3' end. VCF-style (leftmost placement, unchanged base first): chr3-18349624-TGTG-T. GRCh37 (hg19) VCF-style: chr3-18391116-TGTG-T.
Other names: c.1835_1837del, p.Pro612del (NM_001131010.4, NM_001322872.2, NM_001322873.2 and 2 more transcripts); c.1931_1933del, p.Pro644del (NM_001195470.3, NM_001322871.2); c.1619_1621del, p.Pro540del (NM_001322876.2); short protein forms P540del, P612del, P644del.
Identifiers: ClinVar variation 2653610 (VCV002653610.24), dbSNP rs2470395418, ClinGen allele CA2695197762.

ClinVar aggregate classification (germline): Uncertain significance (1 of 4 stars; one submission).

Submission:

CeGaT Center for Human Genetics Tuebingen
Classification: Uncertain significance. Last evaluated: 2023-03-01. Review status: criteria provided, single submitter. Criteria: CeGaT Center For Human Genetics Tuebingen Variant Classification Criteria Version 2. Collection method: clinical testing. Allele origin: germline. Affected: yes. Observed: 1 variant allele.
Comment: SATB1: PM2